The following is an entry in ClinVar:

NM_004364.5(CEBPA):c.384G>T (p.Pro128=)

Gene: CEBPA (CCAAT enhancer binding protein alpha; minus strand). Cytogenetic location: 19q13.11.
Variant type: single nucleotide variant.
Coding change: c.384G>T on transcript NM_004364.5 (MANE Select); coding-DNA position 384, G replaced by T.
Protein change: p.Pro128=; no amino-acid change (proline 128 retained).
Molecular consequence: synonymous variant.
Genome position (GRCh38, 1-based): chr19:33,302,031, C>A on the plus strand (G>T on the coding strand, the complement: CEBPA is on the minus strand). VCF-style: chr19-33302031-C-A. GRCh37 (hg19) VCF-style: chr19-33792937-C-A.
Other names: c.27G>T, p.Pro9= (NM_001285829.2); c.489G>T, p.Pro163= (NM_001287424.2); c.342G>T, p.Pro114= (NM_001287435.2).
Identifiers: ClinVar variation 3042721 (VCV003042721.3), dbSNP rs938139789, ClinGen allele CA307844327.
Genomic context (GRCh38, chr19:33,302,031, plus strand): 5'-CTCGTACAGGGGCTCCAGCCTGCCGTCCAGGTAGCCGGCGGCCGCGCAGCCGTAGCCGGG[C>A]GGGGGCCCGTGCGCTCCCCCGGGCATGACGGCGCCGCCGGGGCCCGCGGGCGCGCCCGGG-3'
Protein context (NP_004355.2, residues 118-138): AVMPGGAHGP[Pro128=]PGYGCAAAGY

ClinVar aggregate classification (germline): Likely benign. Review status: criteria provided, single submitter (1 of 4 stars). 2 submissions from 2 submitters: Likely benign (1). 1 of the submissions does not count toward it. Last evaluated 2025-02-02.

Conditions:
Inborn genetic diseases. Identifiers: MedGen C0950123, MeSH D030342.
CEBPA-related disorder. Also called: CEBPA-related condition.

Submissions (2):

Ambry Genetics
Classification: Likely benign for Inborn genetic diseases. Last evaluated: 2025-02-02. Review status: criteria provided, single submitter. Criteria: Ambry Variant Classification Scheme 2023. Collection method: clinical testing. Allele origin: germline.

PreventionGenetics, part of Exact Sciences
Classification: Likely benign for CEBPA-related condition. Last evaluated: 2021-07-29. Review status: no assertion criteria provided. Collection method: clinical testing. Allele origin: germline. Not counted in ClinVar's aggregate classification.
Comment: This variant is classified as likely benign based on ACMG/AMP sequence variant interpretation guidelines (Richards et al. 2015 PMID: 25741868, with internal and published modifications).